The following is an entry in ClinVar:

NM_017780.4(CHD7):c.3206G>C (p.Arg1069Pro)

Gene: CHD7 (chromodomain helicase DNA binding protein 7; plus strand). Cytogenetic location: 8q12.2.
Variant type: single nucleotide variant.
Coding change: c.3206G>C on transcript NM_017780.4 (MANE Select); coding-DNA position 3206, G replaced by C.
Protein change: p.Arg1069Pro; replaces arginine 1069 with proline.
Molecular consequence: missense variant. On other transcripts: intron variant (1).
Genome position (GRCh38, 1-based): chr8:60,823,844, G>C. VCF-style: chr8-60823844-G-C. GRCh37 (hg19) VCF-style: chr8-61736403-G-C.
Other names: c.1717-38385G>C (NM_001316690.1); short protein forms R1069P.
Identifiers: ClinVar variation 2172366 (VCV002172366.4), dbSNP rs1346050533, ClinGen allele CA371311309.
Genomic context (GRCh38, chr8:60,823,844, plus strand): 5'-TAAAGTTATTTATGTAACCATTAATGCTTAATAATAATTCAGAGTTGTTCTTATAGGGTC[G>C]AGTGATAAAGGGGTCCTATAAGTTTCATGCCATCATCACTACATTTGAGATGATTTTGAC-3'
Protein context (NP_060250.2, residues 1059-1079): YEMYFKDPQG[Arg1069Pro]VIKGSYKFHA

ClinVar aggregate classification (germline): Uncertain significance (1 of 4 stars; one submission).

Conditions:
CHARGE syndrome (CHARGE). Also called: Hittner Hirsch Kreh syndrome; CHARGE ASSOCIATION--COLOBOMA, HEART ANOMALY, CHOANAL ATRESIA, RETARDATION, GENITAL AND EAR ANOMALIES; Coloboma, heart anomaly, choanal atresia, retardation, genital and ear anomalies; CHARGE association; Hall-Hittner syndrome. Identifiers: Orphanet 138, MedGen C0265354, MONDO:0008965.

Submission:

Labcorp Genetics (formerly Invitae), Labcorp
Classification: Uncertain significance for CHARGE syndrome. Last evaluated: 2022-07-16. Review status: criteria provided, single submitter. Criteria: Invitae Variant Classification Sherloc (09022015). Collection method: clinical testing. Allele origin: germline.
Comment: This variant is not present in population databases (gnomAD no frequency). In summary, the available evidence is currently insufficient to determine the role of this variant in disease. Therefore, it has been classified as a Variant of Uncertain Significance. Advanced modeling of protein sequence and biophysical properties (such as structural, functional, and spatial information, amino acid conservation, physicochemical variation, residue mobility, and thermodynamic stability) performed at Invitae indicates that this missense variant is expected to disrupt CHD7 protein function. This variant has not been reported in the literature in individuals affected with CHD7-related conditions. This sequence change replaces arginine, which is basic and polar, with proline, which is neutral and non-polar, at codon 1069 of the CHD7 protein (p.Arg1069Pro).